The following is an entry in ClinVar:

NM_001394998.1(TANC2):c.3978C>T (p.Ile1326=)

Genes: TANC2 (tetratricopeptide repeat, ankyrin repeat and coiled-coil containing 2; plus strand), LOC105371856 (uncharacterized LOC105371856; minus strand). Cytogenetic location: 17q23.3.
Variant type: single nucleotide variant.
Coding change: c.3978C>T on transcript NM_001394998.1 (MANE Select); coding-DNA position 3978, C replaced by T.
Protein change: p.Ile1326=; no amino-acid change (isoleucine 1326 retained).
Molecular consequence: synonymous variant.
Genome position (GRCh38, 1-based): chr17:63,413,592, C>T. VCF-style: chr17-63413592-C-T. GRCh37 (hg19) VCF-style: chr17-61490953-C-T.
Other names: c.3726C>T, p.Ile1242= (NM_025185.4).
Identifiers: ClinVar variation 773319 (VCV000773319.34), dbSNP rs146084764, ClinGen allele CA8698137.

ClinVar aggregate classification (germline): Benign/Likely benign. Review status: criteria provided, multiple submitters, no conflicts (2 of 4 stars). 4 submissions from 4 submitters: Benign (3); Likely benign (1). Last evaluated 2026-09-01.

Allele frequency attached by ClinVar (database versions not stated): 1000 Genomes Project 0.00240; 1000 Genomes Project 30x 0.00250; gnomAD exomes 0.00264; gnomAD 0.00279 and 0.00282; TOPMed 0.00305; ESP Exome Variant Server 0.00327; ExAC 0.00420.
gnomAD v4.1: 5,741 of 1,602,668 alleles (0.36%); highest among the groups gnomAD compares: Non-Finnish European, 0.42%; 16 homozygotes.

Submissions (4):

CeGaT Center for Human Genetics Tuebingen
Classification: Benign. Last evaluated: 2026-09-01. Review status: criteria provided, single submitter. Criteria: CeGaT Center For Human Genetics Tuebingen Variant Classification Criteria Version 2. Collection method: clinical testing. Allele origin: germline. Affected: yes. Observed: 26 variant alleles.
Comment: TANC2: BP4, BS1, BS2

Blueprint Genetics
Classification: Likely benign. Last evaluated: 2024-11-14. Review status: criteria provided, single submitter. Criteria: ACMG Guidelines, 2015. Collection method: clinical testing. Allele origin: germline.

Labcorp Genetics (formerly Invitae), Labcorp
Classification: Benign. Last evaluated: 2018-06-04. Review status: criteria provided, single submitter. Criteria: Invitae Variant Classification Sherloc (09022015). Collection method: clinical testing. Allele origin: germline.

Breakthrough Genomics
Classification: Benign. Review status: criteria provided, single submitter. Criteria: ACMG Guidelines, 2015. Collection method: not provided. Allele origin: germline. Inheritance: Autosomal dominant inheritance. Affected: yes.